The following is an entry in ClinVar:

NM_002340.6(LSS):c.1267-145C>T

Gene: LSS (lanosterol synthase; minus strand). Cytogenetic location: 21q22.3.
Variant type: single nucleotide variant.
Coding change: c.1267-145C>T on transcript NM_002340.6 (MANE Select); 145 bases into the intron before coding-DNA position 1267, C replaced by T.
Molecular consequence: intron variant.
Genome position (GRCh38, 1-based): chr21:46,208,446, G>A on the plus strand (C>T on the coding strand, the complement: LSS is on the minus strand). VCF-style: chr21-46208446-G-A. GRCh37 (hg19) VCF-style: chr21-47628360-G-A.
Other names: c.1234-145C>T (NM_001145436.2); c.1267-145C>T (NM_001001438.3); c.1027-145C>T (NM_001145437.2).
Identifiers: ClinVar variation 1696902 (VCV001696902.2), dbSNP rs116647055, ClinGen allele CA321958253.

ClinVar aggregate classification (germline): Likely benign (1 of 4 stars; one submission).

Allele frequency attached by ClinVar (database versions not stated): gnomAD exomes 0.00093; 1000 Genomes Project 0.00819; gnomAD 0.00847 and 0.00915; 1000 Genomes Project 30x 0.00890; TOPMed 0.00930.
gnomAD v4.1: 1,871 of 743,320 alleles (0.25%); highest among the groups gnomAD compares: African/African-American, 2.9%; 19 homozygotes.

Submission:

GeneDx
Classification: Likely benign. Last evaluated: 2022-01-11. Review status: criteria provided, single submitter. Criteria: GeneDx Variant Classification Process June 2021. Collection method: clinical testing. Allele origin: germline. Affected: yes.
Comment: See Variant Classification Assertion Criteria.